The following is an entry in ClinVar:

NM_003470.3(USP7):c.1427A>G (p.Lys476Arg)

Gene: USP7 (ubiquitin specific peptidase 7; minus strand). Cytogenetic location: 16p13.2.
Variant type: single nucleotide variant.
Coding change: c.1427A>G on transcript NM_003470.3 (MANE Select); coding-DNA position 1427, A replaced by G.
Protein change: p.Lys476Arg; replaces lysine 476 with arginine.
Molecular consequence: missense variant. On other transcripts: non-coding transcript variant (1).
Genome position (GRCh38, 1-based): chr16:8,906,427, T>C on the plus strand (A>G on the coding strand, the complement: USP7 is on the minus strand). VCF-style: chr16-8906427-T-C. GRCh37 (hg19) VCF-style: chr16-9000284-T-C.
Other names: c.1379A>G, p.Lys460Arg (NM_001286457.2); c.1130A>G, p.Lys377Arg (NM_001286458.2); c.1253A>G, p.Lys418Arg (NM_001321858.2); c.1427A>G (NM_003470.2); short protein forms K418R, K377R, K460R, K476R.
Identifiers: ClinVar variation 2051068 (VCV002051068.5), dbSNP rs147329800, ClinGen allele CA7895409.
Genomic context (GRCh38, chr16:8,906,427, plus strand): 5'-GCAGAGCTTGTGTTAACTTTCTGATGAGCTTGCATTCAGCCCTGGGTCCCACCACTTACT[T>C]TGCCATCCCCTTTGGGGTTTAGATAAACCACATAATGTCCACCATGATTATCTCCACTAT-3'
Protein context (NP_003461.2, residues 466-486): VVYLNPKGDG[Lys476Arg]WCKFDDDVVS

ClinVar aggregate classification (germline): Uncertain significance. Review status: criteria provided, multiple submitters, no conflicts (2 of 4 stars). 2 submissions from 2 submitters: Uncertain significance (2). Last evaluated 2025-09-09.

Conditions:
Inborn genetic diseases. Identifiers: MedGen C0950123, MeSH D030342.

Allele frequency attached by ClinVar (database versions not stated): gnomAD 0.00009; ESP Exome Variant Server 0.00015.
gnomAD v4.1: 35 of 1,611,058 alleles (0.0022%); highest among the groups gnomAD compares: African/African-American, 0.025%; no homozygotes.

Submissions (2):

Ambry Genetics
Classification: Uncertain significance for Inborn genetic diseases. Last evaluated: 2025-09-09. Review status: criteria provided, single submitter. Criteria: Ambry Variant Classification Scheme 2023. Collection method: clinical testing. Allele origin: germline.

Labcorp Genetics (formerly Invitae), Labcorp
Classification: Uncertain significance. Last evaluated: 2024-09-18. Review status: criteria provided, single submitter. Criteria: Invitae Variant Classification Sherloc (09022015). Collection method: clinical testing. Allele origin: germline.
Comment: This sequence change replaces lysine, which is basic and polar, with arginine, which is basic and polar, at codon 476 of the USP7 protein (p.Lys476Arg). This variant is present in population databases (rs147329800, gnomAD 0.02%). This variant has not been reported in the literature in individuals affected with USP7-related conditions. ClinVar contains an entry for this variant (Variation ID: 2051068). An algorithm developed to predict the effect of missense changes on protein structure and function (PolyPhen-2) suggests that this variant is likely to be tolerated. Algorithms developed to predict the effect of sequence changes on RNA splicing suggest that this variant may disrupt the consensus splice site. In summary, the available evidence is currently insufficient to determine the role of this variant in disease. Therefore, it has been classified as a Variant of Uncertain Significance.